The following is an entry in ClinVar:

NM_000038.6(APC):c.6726T>A (p.Ser2242Arg)

Gene: APC (APC regulator of Wnt signaling pathway; plus strand). Cytogenetic location: 5q22.2.
Variant type: single nucleotide variant.
Coding change: c.6726T>A on transcript NM_000038.6 (MANE Select); coding-DNA position 6726, T replaced by A.
Protein change: p.Ser2242Arg; replaces serine 2242 with arginine.
Molecular consequence: missense variant. On other transcripts: non-coding transcript variant (2).
Genome position (GRCh38, 1-based): chr5:112,842,320, T>A. VCF-style: chr5-112842320-T-A. GRCh37 (hg19) VCF-style: chr5-112178017-T-A.
Other names: c.6726T>A, p.Ser2242Arg (NM_001127510.3, NM_001354895.2, NM_001407450.1); c.6672T>A, p.Ser2224Arg (NM_001127511.3); c.6780T>A, p.Ser2260Arg (NM_001354896.2, NM_001407447.1, NM_001407448.1 and 1 more transcripts); c.6756T>A, p.Ser2252Arg (NM_001354897.2); c.6651T>A, p.Ser2217Arg (NM_001354898.2); c.6642T>A, p.Ser2214Arg (NM_001354899.2); c.6603T>A, p.Ser2201Arg (NM_001354900.2); c.6549T>A, p.Ser2183Arg (NM_001354901.2, NM_001407453.1); and 11 more; short protein forms S1858R, S1959R, S2113R, S2159R, S2217R, S2232R, S2270R, S2235R.
Identifiers: ClinVar variation 4120499 (VCV004120499.1).

ClinVar aggregate classification (germline): Uncertain significance (1 of 4 stars; one submission).

Conditions:
Hereditary cancer-predisposing syndrome. Also called: Hereditary neoplastic syndrome; Neoplastic Syndromes, Hereditary; Tumor predisposition; Hereditary Cancer Syndrome. Identifiers: Orphanet 140162, MedGen C0027672, MeSH D009386, MONDO:0015356.

Submission:

Ambry Genetics
Classification: Uncertain significance for Hereditary cancer-predisposing syndrome. Last evaluated: 2025-06-21. Review status: criteria provided, single submitter. Criteria: Ambry Variant Classification Scheme 2023. Collection method: clinical testing. Allele origin: germline.
Comment: The p.S2242R variant (also known as c.6726T>A), located in coding exon 15 of the APC gene, results from a T to A substitution at nucleotide position 6726. The serine at codon 2242 is replaced by arginine, an amino acid with dissimilar properties. This amino acid position is conserved. In addition, in silico predictors for this gene do not accurately predict pathogenicity. Based on the available evidence, the clinical significance of this variant remains unclear.